The following is an entry in ClinVar:

NM_001142966.3(GREB1L):c.4977A>G (p.Pro1659=)

Gene: GREB1L (GREB1 like retinoic acid receptor coactivator; plus strand). Cytogenetic location: 18q11.2.
Variant type: single nucleotide variant.
Coding change: c.4977A>G on transcript NM_001142966.3 (MANE Select); coding-DNA position 4977, A replaced by G.
Protein change: p.Pro1659=; no amino-acid change (proline 1659 retained).
Molecular consequence: synonymous variant.
Genome position (GRCh38, 1-based): chr18:21,515,492, A>G. VCF-style: chr18-21515492-A-G. GRCh37 (hg19) VCF-style: chr18-19095453-A-G.
Other names: c.5106A>G, p.Pro1702= (NM_001410867.1); c.4650A>G, p.Pro1550= (NM_001410868.1); c.4977A>G (NM_001142966.1).
Identifiers: ClinVar variation 2083784 (VCV002083784.5), dbSNP rs546681418, ClinGen allele CA8906718.

ClinVar aggregate classification (germline): Likely benign. Review status: criteria provided, multiple submitters, no conflicts (2 of 4 stars). 2 submissions from 2 submitters: Likely benign (2). Last evaluated 2026-02-19.

Conditions:
GREB1L-related disorder. Also called: GREB1L-related condition.

Allele frequency attached by ClinVar (database versions not stated): gnomAD exomes 0.00003; ExAC 0.00015; 1000 Genomes Project 30x 0.00016; 1000 Genomes Project 0.00020; gnomAD 0.00021; TOPMed 0.00032.
gnomAD v4.1: 74 of 1,551,644 alleles (0.0048%); highest among the groups gnomAD compares: African/African-American, 0.087%; 1 homozygote.

Submissions (2):

PreventionGenetics, part of Exact Sciences
Classification: Likely benign for GREB1L-related condition. Last evaluated: 2026-02-19. Review status: criteria provided, single submitter. Criteria: ACMG Guidelines, 2015. Collection method: clinical testing. Allele origin: germline.
Comment: This variant is classified as likely benign based on ACMG/AMP sequence variant interpretation guidelines (Richards et al. 2015 PMID: 25741868, with internal and published modifications).

Labcorp Genetics (formerly Invitae), Labcorp
Classification: Likely benign. Last evaluated: 2026-01-09. Review status: criteria provided, single submitter. Criteria: Invitae Variant Classification Sherloc (09022015). Collection method: clinical testing. Allele origin: germline.